The following is an entry in ClinVar:

ClinVar aggregate classification (germline): Pathogenic (1 of 4 stars; one submission).

Conditions:
Primary ciliary dyskinesia. Also called: Ciliary dyskinesia. Identifiers: Orphanet 244, MedGen C0008780, MONDO:0016575, HP:0012265.

gnomAD v4.1: 1 of 1,614,118 alleles (0.000062%); highest among the groups gnomAD compares: Admixed American, 0.0017%; no homozygotes.

Submission:

Labcorp Genetics (formerly Invitae), Labcorp
Classification: Pathogenic for Primary ciliary dyskinesia. Last evaluated: 2024-05-26. Review status: criteria provided, single submitter. Criteria: Invitae Variant Classification Sherloc (09022015). Collection method: clinical testing. Allele origin: germline.
Comment: This sequence change creates a premature translational stop signal (p.Glu540*) in the DNAAF1 gene. It is expected to result in an absent or disrupted protein product. Loss-of-function variants in DNAAF1 are known to be pathogenic (PMID: 19944400, 19944405). This variant is not present in population databases (gnomAD no frequency). This variant has not been reported in the literature in individuals affected with DNAAF1-related conditions. ClinVar contains an entry for this variant (Variation ID: 1905629). Algorithms developed to predict the effect of sequence changes on RNA splicing suggest that this variant may disrupt the consensus splice site. For these reasons, this variant has been classified as Pathogenic.

Literature cited by the submitters: PubMed 19944400; PubMed 19944405.

NM_178452.6(DNAAF1):c.1618G>T (p.Glu540Ter)

Gene: DNAAF1 (dynein axonemal assembly factor 1; plus strand). Cytogenetic location: 16q24.1.
Variant type: single nucleotide variant.
Coding change: c.1618G>T on transcript NM_178452.6 (MANE Select); coding-DNA position 1618, G replaced by T.
Protein change: p.Glu540Ter; replaces glutamic acid 540 with a stop codon.
Molecular consequence: nonsense.
Genome position (GRCh38, 1-based): chr16:84,172,349, G>T. VCF-style: chr16-84172349-G-T. GRCh37 (hg19) VCF-style: chr16-84205955-G-T.
Other names: c.910G>T, p.Glu304Ter (NM_001318756.1); short protein forms E540*, E304*.
Identifiers: ClinVar variation 1905629 (VCV001905629.5), dbSNP rs752285725, ClinGen allele CA396949225.
Genomic context (GRCh38, chr16:84,172,349, plus strand): 5'-GGTGTATTCGTTACAGAACTTGATGGAACGAGAACGGAAGATTTAGAAACCATTAGACTG[G>T]AGACAAAGGAGACATTCTGCATTGATGTACATGAAGTATTTAATCTTGGAGATAAGTATC-3'